The following is an entry in ClinVar:

NM_001252024.2(TRPM1):c.2108T>C (p.Leu703Ser)

Gene: TRPM1 (transient receptor potential cation channel subfamily M member 1; minus strand). Cytogenetic location: 15q13.3.
Variant type: single nucleotide variant.
Coding change: c.2108T>C on transcript NM_001252024.2 (MANE Select); coding-DNA position 2108, T replaced by C.
Protein change: p.Leu703Ser; replaces leucine 703 with serine.
Molecular consequence: missense variant.
Genome position (GRCh38, 1-based): chr15:31,040,326, A>G on the plus strand (T>C on the coding strand, the complement: TRPM1 is on the minus strand). VCF-style: chr15-31040326-A-G. GRCh37 (hg19) VCF-style: chr15-31332529-A-G.
Other names: c.2159T>C, p.Leu720Ser (NM_001252020.2); c.2042T>C, p.Leu681Ser (NM_002420.6); short protein forms L703S, L720S, L681S.
Identifiers: ClinVar variation 1995492 (VCV001995492.4), dbSNP rs2504109894, ClinGen allele CA391510744.

ClinVar aggregate classification (germline): Uncertain significance (1 of 4 stars; one submission).

Submission:

Labcorp Genetics (formerly Invitae), Labcorp
Classification: Uncertain significance. Last evaluated: 2022-05-17. Review status: criteria provided, single submitter. Criteria: Invitae Variant Classification Sherloc (09022015). Collection method: clinical testing. Allele origin: germline.
Comment: This sequence change replaces leucine, which is neutral and non-polar, with serine, which is neutral and polar, at codon 681 of the TRPM1 protein (p.Leu681Ser). This variant is not present in population databases (gnomAD no frequency). This variant has not been reported in the literature in individuals affected with TRPM1-related conditions. Algorithms developed to predict the effect of missense changes on protein structure and function (SIFT, PolyPhen-2, Align-GVGD) all suggest that this variant is likely to be tolerated. In summary, the available evidence is currently insufficient to determine the role of this variant in disease. Therefore, it has been classified as a Variant of Uncertain Significance.